The following is an entry in ClinVar:

ClinVar aggregate classification (germline): Uncertain significance (1 of 4 stars; one submission).

Submission:

Labcorp Genetics (formerly Invitae), Labcorp
Classification: Uncertain significance. Last evaluated: 2023-07-07. Review status: criteria provided, single submitter. Criteria: Invitae Variant Classification Sherloc (09022015). Collection method: clinical testing. Allele origin: germline.
Comment: Advanced modeling of protein sequence and biophysical properties (such as structural, functional, and spatial information, amino acid conservation, physicochemical variation, residue mobility, and thermodynamic stability) performed at Invitae indicates that this missense variant is expected to disrupt USH2A protein function. This sequence change replaces glycine, which is neutral and non-polar, with arginine, which is basic and polar, at codon 193 of the USH2A protein (p.Gly193Arg). This variant is not present in population databases (gnomAD no frequency). This variant has not been reported in the literature in individuals affected with USH2A-related conditions. ClinVar contains an entry for this variant (Variation ID: 1510259). In summary, the available evidence is currently insufficient to determine the role of this variant in disease. Therefore, it has been classified as a Variant of Uncertain Significance.

NM_206933.4(USH2A):c.577G>C (p.Gly193Arg)

Gene: USH2A (usherin; minus strand). Cytogenetic location: 1q41.
Variant type: single nucleotide variant.
Coding change: c.577G>C on transcript NM_206933.4 (MANE Select); coding-DNA position 577, G replaced by C.
Protein change: p.Gly193Arg; replaces glycine 193 with arginine.
Molecular consequence: missense variant.
Genome position (GRCh38, 1-based): chr1:216,418,588, C>G on the plus strand (G>C on the coding strand, the complement: USH2A is on the minus strand). VCF-style: chr1-216418588-C-G. GRCh37 (hg19) VCF-style: chr1-216591930-C-G.
Other names: c.577G>C, p.Gly193Arg (NM_007123.6); short protein forms G193R.
Identifiers: ClinVar variation 1510259 (VCV001510259.6), dbSNP rs1472492116, ClinGen allele CA344902483.